The following is an entry in ClinVar:

NM_001754.5(RUNX1):c.1202C>T (p.Pro401Leu)

Gene: RUNX1 (RUNX family transcription factor 1; minus strand). Cytogenetic location: 21q22.12.
Variant type: single nucleotide variant.
Coding change: c.1202C>T on transcript NM_001754.5 (MANE Select); coding-DNA position 1202, C replaced by T.
Protein change: p.Pro401Leu; replaces proline 401 with leucine.
Molecular consequence: missense variant.
Genome position (GRCh38, 1-based): chr21:34,792,376, G>A on the plus strand (C>T on the coding strand, the complement: RUNX1 is on the minus strand). VCF-style: chr21-34792376-G-A. GRCh37 (hg19) VCF-style: chr21-36164673-G-A.
Other names: NM_001754.5(RUNX1):c.1202C>T; p.Pro401Leu; c.1121C>T, p.Pro374Leu (NM_001001890.3); short protein forms P401L, P374L.
Identifiers: ClinVar variation 579883 (VCV000579883.9), dbSNP rs1569002142, ClinGen allele CA410147789.

ClinVar aggregate classification (germline): Uncertain significance. Review status: reviewed by expert panel (3 of 4 stars). 2 submissions from 2 submitters: Uncertain significance (1). 1 of the submissions does not count toward it. Last evaluated 2024-08-01.

Conditions:
Hereditary thrombocytopenia and hematologic cancer predisposition syndrome. Identifiers: Orphanet 71290, MedGen CN281654, MONDO:0011071.
Hereditary thrombocytopenia and hematological cancer predisposition syndrome associated with RUNX1. Also called: Familial Platelet Disorder with Propensity to Acute Myelogenous Leukemia; Familial thrombocytopenia with propensity to acute myelogenous leukemia; PLATELET DISORDER, ASPIRIN-LIKE; RUNX1 Familial Platelet Disorder with Associated Myeloid Malignancies. Identifiers: Orphanet 71290, MedGen C1832388, MeSH C563324, MONDO:0100083, OMIM 601399.

Submissions (2):

ClinGen Myeloid Malignancy Variant Curation Expert Panel
Classification: Uncertain significance for Hereditary thrombocytopenia and hematologic cancer predisposition syndrome. Last evaluated: 2024-08-01. Review status: reviewed by expert panel. Criteria: ClinGen MyeloMalig ACMG Specifications v2. Collection method: curation. Allele origin: germline. Inheritance: Autosomal dominant inheritance.
Comment: NM_001754.5(RUNX1):c.1202C>T (p.Pro401Leu) is a missense variant which is completely absent from all population databases (gnomAD v2.1.1 and v3.1.2) with at least 20x coverage for RUNX1 (PM2_supporting). In addition, it has a REVEL score <0.50 (0.116) (BP4). To the best of our knowledge, this variant has not been reported in the literature. In summary, the clinical significance of this variant is uncertain. ACMG/AMP criteria applied, as specified by the Myeloid Malignancy Variant Curation Expert Panel for RUNX1: PM2_supporting, BP4.

Labcorp Genetics (formerly Invitae), Labcorp
Classification: Uncertain significance for Hereditary thrombocytopenia and hematological cancer predisposition syndrome associated with RUNX1. Last evaluated: 2022-06-25. Review status: criteria provided, single submitter. Criteria: Invitae Variant Classification Sherloc (09022015). Collection method: clinical testing. Allele origin: germline. Not counted in ClinVar's aggregate classification.
Comment: ClinVar contains an entry for this variant (Variation ID: 579883). This sequence change replaces proline, which is neutral and non-polar, with leucine, which is neutral and non-polar, at codon 401 of the RUNX1 protein (p.Pro401Leu). This variant is not present in population databases (gnomAD no frequency). This variant has not been reported in the literature in individuals affected with RUNX1-related conditions. Algorithms developed to predict the effect of missense changes on protein structure and function (SIFT, PolyPhen-2, Align-GVGD) all suggest that this variant is likely to be tolerated. In summary, the available evidence is currently insufficient to determine the role of this variant in disease. Therefore, it has been classified as a Variant of Uncertain Significance.